The following is an entry in ClinVar:

ClinVar aggregate classification (germline): Pathogenic (1 of 4 stars; one submission).

Conditions:
Neuronal ceroid lipofuscinosis 2. Also called: TPP1-Related Neuronal Ceroid-Lipofuscinosis; JANSKY-BIELSCHOWSKY DISEASE NEURONAL CEROID LIPOFUSCINOSIS, LATE INFANTILE. Identifiers: Orphanet 168491, Orphanet 228349, Orphanet 79264, MedGen C1876161, MONDO:0008769, OMIM 204500.

Submission:

Myriad Genetics, Inc.
Classification: Pathogenic for Neuronal ceroid lipofuscinosis 2. Last evaluated: 2026-03-03. Review status: criteria provided, single submitter. Criteria: Myriad Autosomal Dominant, Autosomal Recessive and X-Linked Classification Criteria (2023). Collection method: clinical testing. Allele origin: unknown.
Comment: NM_000391.3(TPP1):c.361_368del8(T121Afs*14) is expected to be pathogenic in the context of TPP1-related neuronal ceroid lipofuscinosis. This variant is predicted to lead to an abnormal or absent protein product due to the creation of a premature termination codon in TPP1, a gene where loss-of-function variants are known to be pathogenic. Please note: this variant was assessed in the context of healthy population screening.

NM_000391.4(TPP1):c.361_368del (p.Thr121fs)

Gene: TPP1 (tripeptidyl peptidase 1; minus strand). Cytogenetic location: 11p15.4.
Variant type: Deletion.
Coding change: c.361_368del on transcript NM_000391.4 (MANE Select); coding-DNA positions 361 to 368, 8 bases deleted (ACTTGCTG; older notation c.361_368delACTTGCTG).
Protein change: p.Thr121fs; shifts the reading frame from threonine 121.
Molecular consequence: frameshift variant.
Genome position (GRCh38, 1-based): chr11:6,617,638-6,617,645, CAGCAAGT deleted on the plus strand (ACTTGCTG on the coding strand, the reverse complement: TPP1 is on the minus strand); deleting any 8 consecutive bases within chr11:6,617,638-6,617,648 gives the same sequence; the c. name uses the placement nearest the transcript's 3' end. VCF-style (leftmost placement, unchanged base first): chr11-6617637-CCAGCAAGT-C. GRCh37 (hg19) VCF-style: chr11-6638868-CCAGCAAGT-C.
Other names: short protein forms T121fs.
Identifiers: ClinVar variation 5015630 (VCV005015630.1).